The following is an entry in ClinVar:

NM_001042492.3(NF1):c.3407G>C (p.Arg1136Pro)

Gene: NF1 (neurofibromin 1; plus strand). Cytogenetic location: 17q11.2.
Variant type: single nucleotide variant.
Coding change: c.3407G>C on transcript NM_001042492.3 (MANE Select); coding-DNA position 3407, G replaced by C.
Protein change: p.Arg1136Pro; replaces arginine 1136 with proline.
Molecular consequence: missense variant.
Genome position (GRCh38, 1-based): chr17:31,232,792, G>C. VCF-style: chr17-31232792-G-C. GRCh37 (hg19) VCF-style: chr17-29559810-G-C.
Other names: c.3407G>C, p.Arg1136Pro (NM_000267.4); short protein forms R1136P.
Identifiers: ClinVar variation 237549 (VCV000237549.8), dbSNP rs868407539, ClinGen allele CA10583492.

ClinVar aggregate classification (germline): Uncertain significance. Review status: criteria provided, multiple submitters, no conflicts (2 of 4 stars). 2 submissions from 2 submitters: Uncertain significance (2). Last evaluated 2024-10-05.

Conditions:
Cardiovascular phenotype. Identifiers: MedGen CN230736.
Hereditary cancer-predisposing syndrome. Also called: Tumor predisposition; Hereditary Cancer Syndrome; Hereditary neoplastic syndrome; Neoplastic Syndromes, Hereditary. Identifiers: Orphanet 140162, MedGen C0027672, MeSH D009386, MONDO:0015356.
Neurofibromatosis, type 1 (NF1). Also called: VON RECKLINGHAUSEN DISEASE; NEUROFIBROMATOSIS, TYPE I, SOMATIC; Peripheral type neurofibromatosis; Neurofibromatosis, type I. Identifiers: Orphanet 636, MedGen C0027831, MONDO:0018975, OMIM 162200. Disease mechanism: loss of function.

gnomAD v4.1: 1 of 1,614,084 alleles (0.000062%); highest among the groups gnomAD compares: Non-Finnish European, 0.000085%; no homozygotes.

Submissions (2):

Ambry Genetics
Classification: Uncertain significance for Cardiovascular phenotype; Hereditary cancer-predisposing syndrome. Last evaluated: 2024-10-05. Review status: criteria provided, single submitter. Criteria: Ambry Variant Classification Scheme 2023. Collection method: clinical testing. Allele origin: germline.
Comment: The p.R1136P variant (also known as c.3407G>C), located in coding exon 26 of the NF1 gene, results from a G to C substitution at nucleotide position 3407. The arginine at codon 1136 is replaced by proline, an amino acid with dissimilar properties. This amino acid position is highly conserved in available vertebrate species. In addition, the in silico prediction for this alteration is inconclusive. Since supporting evidence is limited at this time, the clinical significance of this alteration remains unclear.

Labcorp Genetics (formerly Invitae), Labcorp
Classification: Uncertain significance for Neurofibromatosis, type 1. Last evaluated: 2024-04-17. Review status: criteria provided, single submitter. Criteria: Invitae Variant Classification Sherloc (09022015). Collection method: clinical testing. Allele origin: germline.
Comment: This sequence change replaces arginine, which is basic and polar, with proline, which is neutral and non-polar, at codon 1136 of the NF1 protein (p.Arg1136Pro). This variant is not present in population databases (gnomAD no frequency). This variant has not been reported in the literature in individuals affected with NF1-related conditions. ClinVar contains an entry for this variant (Variation ID: 237549). Advanced modeling of protein sequence and biophysical properties (such as structural, functional, and spatial information, amino acid conservation, physicochemical variation, residue mobility, and thermodynamic stability) has been performed at Invitae for this missense variant, however the output from this modeling did not meet the statistical confidence thresholds required to predict the impact of this variant on NF1 protein function. In summary, the available evidence is currently insufficient to determine the role of this variant in disease. Therefore, it has been classified as a Variant of Uncertain Significance.